The following is an entry in ClinVar:

ClinVar aggregate classification (germline): Conflicting classifications of pathogenicity. Review status: criteria provided, conflicting classifications (1 of 4 stars). 3 submissions from 3 submitters: Uncertain significance (2); Likely benign (1). Last evaluated 2025-11-26.

Conditions:
Inborn genetic diseases. Identifiers: MedGen C0950123, MeSH D030342.

gnomAD v4.1: 1 of 1,608,528 alleles (0.000062%); highest among the groups gnomAD compares: Non-Finnish European, 0.000085%; no homozygotes.

Submissions (3):

Women's Health and Genetics/Laboratory Corporation of America, LabCorp
Classification: Uncertain significance. Last evaluated: 2025-11-26. Review status: criteria provided, single submitter. Criteria: LabCorp Variant Classification Summary - May 2015. Collection method: clinical testing. Allele origin: germline.
Comment: Variant summary: KMT2B c.476C>T (p.Thr159Ile) results in a non-conservative amino acid change in the encoded protein sequence. Algorithms developed to predict the effect of missense changes on protein structure and function are either unavailable or do not agree on the potential impact of this missense change. The variant allele was found at a frequency of 4.1e-06 in 243392 control chromosomes. The available data on variant occurrences in the general population are insufficient to allow any conclusion about variant significance. To our knowledge, no occurrence of c.476C>T in individuals affected with KMT2B-related conditions and no experimental evidence demonstrating its impact on protein function have been reported. ClinVar contains an entry for this variant (Variation ID: 1934541). Based on the evidence outlined above, the variant was classified as uncertain significance.

Ambry Genetics
Classification: Uncertain significance for Inborn genetic diseases. Last evaluated: 2022-09-27. Review status: criteria provided, single submitter. Criteria: Ambry Variant Classification Scheme 2023. Collection method: clinical testing. Allele origin: germline.

Labcorp Genetics (formerly Invitae), Labcorp
Classification: Likely benign. Last evaluated: 2022-09-25. Review status: criteria provided, single submitter. Criteria: Invitae Variant Classification Sherloc (09022015). Collection method: clinical testing. Allele origin: germline.

NM_014727.3(KMT2B):c.476C>T (p.Thr159Ile)

Gene: KMT2B (lysine methyltransferase 2B; plus strand). Cytogenetic location: 19q13.12.
Variant type: single nucleotide variant.
Coding change: c.476C>T on transcript NM_014727.3 (MANE Select); coding-DNA position 476, C replaced by T.
Protein change: p.Thr159Ile; replaces threonine 159 with isoleucine.
Molecular consequence: missense variant.
Genome position (GRCh38, 1-based): chr19:35,719,823, C>T. VCF-style: chr19-35719823-C-T. GRCh37 (hg19) VCF-style: chr19-36210725-C-T.
Other names: short protein forms T159I.
Identifiers: ClinVar variation 1934541 (VCV001934541.8), dbSNP rs1568367127, ClinGen allele CA405378533.
Genomic context (GRCh38, chr19:35,719,823, plus strand): 5'-CCACAACTATTCTCCTTTTAGGTCGAGCGCCCCGAGGTCGGGGTCGCAAGCATAAGACGA[C>T]CCCCCTTCCTCCTCCTCGCCTAGCAGATGTGGCTCCTACCCCCCCAAAGACCCCTGCCCG-3'
Protein context (NP_055542.1, residues 149-169): PRGRGRKHKT[Thr159Ile]PLPPPRLADV